The following is an entry in ClinVar:

ClinVar aggregate classification (germline): Likely benign. Review status: criteria provided, multiple submitters, no conflicts (2 of 4 stars). 4 submissions from 4 submitters: Likely benign (4). Last evaluated 2026-04-10.

Conditions:
Hereditary cancer-predisposing syndrome. Also called: Hereditary neoplastic syndrome; Hereditary Cancer Syndrome; Neoplastic Syndromes, Hereditary; Tumor predisposition. Identifiers: Orphanet 140162, MedGen C0027672, MeSH D009386, MONDO:0015356.
Microcephaly, normal intelligence and immunodeficiency (NBS). Also called: Nijmegen breakage syndrome; Microcephaly with normal intelligence immunodeficiency and lymphoreticular malignancies; Nonsyndromal microcephaly autosomal recessive with normal intelligence; Seemanova syndrome 2; IMMUNODEFICIENCY, MICROCEPHALY, AND CHROMOSOMAL INSTABILITY; BERLIN BREAKAGE SYNDROME. Identifiers: Orphanet 647, MedGen C0398791, MONDO:0009623, OMIM 251260.

Submissions (4):

Women's Health and Genetics/Laboratory Corporation of America, LabCorp
Classification: Likely benign. Last evaluated: 2026-04-10. Review status: criteria provided, single submitter. Criteria: LabCorp Variant Classification Summary - May 2015. Collection method: clinical testing. Allele origin: germline.

Ambry Genetics
Classification: Likely benign for Hereditary cancer-predisposing syndrome. Last evaluated: 2021-12-02. Review status: criteria provided, single submitter. Criteria: Ambry Variant Classification Scheme 2023. Collection method: clinical testing. Allele origin: germline.

Labcorp Genetics (formerly Invitae), Labcorp
Classification: Likely benign for Microcephaly, normal intelligence and immunodeficiency. Last evaluated: 2020-01-18. Review status: criteria provided, single submitter. Criteria: Invitae Variant Classification Sherloc (09022015). Collection method: clinical testing. Allele origin: germline.

GeneDx
Classification: Likely benign. Last evaluated: 2017-08-23. Review status: criteria provided, single submitter. Criteria: GeneDx Variant Classification (06012015). Collection method: clinical testing. Allele origin: germline. Affected: yes.
Comment: This variant is considered likely benign or benign based on one or more of the following criteria: it is a conservative change, it occurs at a poorly conserved position in the protein, it is predicted to be benign by multiple in silico algorithms, and/or has population frequency not consistent with disease.

NM_002485.5(NBN):c.1260T>A (p.Thr420=)

Gene: NBN (nibrin; minus strand). Cytogenetic location: 8q21.3.
Variant type: single nucleotide variant.
Coding change: c.1260T>A on transcript NM_002485.5 (MANE Select); coding-DNA position 1260, T replaced by A.
Protein change: p.Thr420=; no amino-acid change (threonine 420 retained).
Molecular consequence: synonymous variant.
Genome position (GRCh38, 1-based): chr8:89,955,420, A>T on the plus strand (T>A on the coding strand, the complement: NBN is on the minus strand). VCF-style: chr8-89955420-A-T. GRCh37 (hg19) VCF-style: chr8-90967648-A-T.
Other names: c.1014T>A, p.Thr338= (NM_001024688.3).
Identifiers: ClinVar variation 511688 (VCV000511688.13), dbSNP rs1554559199, ClinGen allele CA462114963.
Genomic context (GRCh38, chr8:89,955,420, plus strand): 5'-ATTTATACTTGGCAATTTAGTTGGTGAAAGCTGATAGTTTGGGATTCTCATCTTAGCCAA[A>T]GTATTTGATACCATACTATTATTATTAGAGCTTGTTTTGCAGGACTCCTTTACAGTGGGT-3'
Protein context (NP_002476.2, residues 410-430): SSNNNSMVSN[Thr420=]LAKMRIPNYQ